The following is an entry in ClinVar:

NM_001265.6(CDX2):c.610G>A (p.Glu204Lys)

Gene: CDX2 (caudal type homeobox 2; minus strand). Cytogenetic location: 13q12.2.
Variant type: single nucleotide variant.
Coding change: c.610G>A on transcript NM_001265.6 (MANE Select); coding-DNA position 610, G replaced by A.
Protein change: p.Glu204Lys; replaces glutamic acid 204 with lysine.
Molecular consequence: missense variant.
Genome position (GRCh38, 1-based): chr13:27,964,947, C>T on the plus strand (G>A on the coding strand, the complement: CDX2 is on the minus strand). VCF-style: chr13-27964947-C-T. GRCh37 (hg19) VCF-style: chr13-28539084-C-T.
Other names: c.610G>A, p.Glu204Lys (NM_001354700.2); short protein forms E204K.
Identifiers: ClinVar variation 4888388 (VCV004888388.1).
Genomic context (GRCh38, chr13:27,964,947, plus strand): 5'-CCAGCGTGGCGGCTAGCTCGGCTTTCCTCCGGATGGTGATGTAGCGACTGTAGTGAAACT[C>T]CTTCTCCAGCTCCAGCCGCTGGTGGTCCGTGTACACCACTCGATATTTGTCTTTCGTCCT-3'
Protein context (NP_001256.4, residues 194-214): TDHQRLELEK[Glu204Lys]FHYSRYITIR

ClinVar aggregate classification (germline): Uncertain significance (1 of 4 stars; one submission).

Conditions:
CDX2-associated caudal anomalies.

Submission:

New York Genome Center
Classification: Uncertain significance for CDX2-associated caudal anomalies. Last evaluated: 2024-08-28. Review status: criteria provided, single submitter. Criteria: NYGC Assertion Criteria 2020. Collection method: clinical testing. Allele origin: germline. Affected: yes. Observed: 1 variant allele, 1 heterozygote.
Comment: The c.610G>A variant identified in the CDX2 gene is a single nucleotide variant within exon 2/3, predicted to lead to the substitution of a well conserved Glutamic acid with Lysine at amino acid 204 of the encoded protein (p.(Glu204Lys), which is in the homeobox domain where other missense changes have been observed in affected individuals in the literature [PMID:29177441, 32058622, 34671974, 34671974, 36360262, 37816608]. This variant is absent from population database gnomADv4.1.0 suggesting it is not a common benign variant in the populations represented in that database. The c.610G>A, p.(Glu204Lys) variant has not been reported in ClinVar, nor has it been reported in affected individuals in the literature. In silico algorithms predict this variant to have a damaging effect on protein function (REVEL; score=0.909), however functional studies are not available to confirm or refute this prediction. Given the available evidence, the c.610G>A,p.(Glu204Lys) variant identified in the CDX2 gene is classified as a Variant of Uncertain Significance.